The following is an entry in ClinVar:

NM_000222.3(KIT):c.2040T>G (p.Asn680Lys)

Gene: KIT (KIT proto-oncogene, receptor tyrosine kinase; plus strand). Cytogenetic location: 4q12.
Variant type: single nucleotide variant.
Coding change: c.2040T>G on transcript NM_000222.3 (MANE Select); coding-DNA position 2040, T replaced by G.
Protein change: p.Asn680Lys; replaces asparagine 680 with lysine.
Molecular consequence: missense variant.
Genome position (GRCh38, 1-based): chr4:54,729,384, T>G. VCF-style: chr4-54729384-T-G. GRCh37 (hg19) VCF-style: chr4-55595550-T-G.
Other names: c.2028T>G, p.Asn676Lys (NM_001093772.2, NM_001385286.1); c.2043T>G, p.Asn681Lys (NM_001385284.1, NM_001385290.1); c.2040T>G, p.Asn680Lys (NM_001385285.1); c.2031T>G, p.Asn677Lys (NM_001385288.1, NM_001385292.1); short protein forms N680K, N676K, N677K, N681K.
Identifiers: ClinVar variation 846916 (VCV000846916.10), dbSNP rs1722438930, ClinGen allele CA356909420.

ClinVar aggregate classification (germline): Uncertain significance (1 of 4 stars; one submission).

Conditions:
Gastrointestinal stromal tumor. Also called: Gastrointestinal stromal tumor, somatic; Gastrointestinal stroma tumor. Identifiers: Orphanet 44890, MedGen C0238198, MeSH D046152, MONDO:0011719, OMIM 606764, HP:0100723.

Submission:

Labcorp Genetics (formerly Invitae), Labcorp
Classification: Uncertain significance for Gastrointestinal stromal tumor. Last evaluated: 2024-07-15. Review status: criteria provided, single submitter. Criteria: Invitae Variant Classification Sherloc (09022015). Collection method: clinical testing. Allele origin: germline.
Comment: This sequence change replaces asparagine, which is neutral and polar, with lysine, which is basic and polar, at codon 680 of the KIT protein (p.Asn680Lys). This variant is not present in population databases (gnomAD no frequency). This variant has not been reported in the literature in individuals affected with KIT-related conditions. ClinVar contains an entry for this variant (Variation ID: 846916). An algorithm developed to predict the effect of missense changes on protein structure and function (PolyPhen-2) suggests that this variant is likely to be disruptive. In summary, the available evidence is currently insufficient to determine the role of this variant in disease. Therefore, it has been classified as a Variant of Uncertain Significance.